The following is an entry in ClinVar:

NM_182914.3(SYNE2):c.11834C>T (p.Ala3945Val)

Gene: SYNE2 (spectrin repeat containing nuclear envelope protein 2; plus strand). Cytogenetic location: 14q23.2.
Variant type: single nucleotide variant.
Coding change: c.11834C>T on transcript NM_182914.3 (MANE Select); coding-DNA position 11834, C replaced by T.
Protein change: p.Ala3945Val; replaces alanine 3945 with valine.
Molecular consequence: missense variant.
Genome position (GRCh38, 1-based): chr14:64,090,906, C>T. VCF-style: chr14-64090906-C-T. GRCh37 (hg19) VCF-style: chr14-64557624-C-T.
Other names: c.11834C>T, p.Ala3945Val (NM_015180.6); short protein forms A3945V.
Identifiers: ClinVar variation 655828 (VCV000655828.8), dbSNP rs756937805, ClinGen allele CA7221932.

ClinVar aggregate classification (germline): Uncertain significance (1 of 4 stars; one submission).

Conditions:
Emery-Dreifuss muscular dystrophy 5, autosomal dominant (EDMD5). Also called: EMERY-DREIFUSS MUSCULAR DYSTROPHY 5. Identifiers: Orphanet 261, MedGen C2751805, MONDO:0013072, OMIM 612999.

Allele frequency attached by ClinVar (database versions not stated): gnomAD exomes 0.00001 and below 0.00001; TOPMed 0.00002; ExAC 0.00001.
gnomAD v4.1: 12 of 1,614,080 alleles (0.00074%); highest among the groups gnomAD compares: Non-Finnish European, 0.001%; no homozygotes.

Submission:

Labcorp Genetics (formerly Invitae), Labcorp
Classification: Uncertain significance for Emery-Dreifuss muscular dystrophy 5, autosomal dominant. Last evaluated: 2021-07-13. Review status: criteria provided, single submitter. Criteria: Invitae Variant Classification Sherloc (09022015). Collection method: clinical testing. Allele origin: germline.
Comment: This sequence change replaces alanine with valine at codon 3945 of the SYNE2 protein (p.Ala3945Val). The alanine residue is moderately conserved and there is a small physicochemical difference between alanine and valine. This variant is present in population databases (rs756937805, ExAC 0.001%). This variant has not been reported in the literature in individuals with SYNE2-related disease. Algorithms developed to predict the effect of missense changes on protein structure and function are either unavailable or do not agree on the potential impact of this missense change (SIFT: "Tolerated"; PolyPhen-2: "Probably Damaging"; Align-GVGD: "Class C0"). In summary, the available evidence is currently insufficient to determine the role of this variant in disease. Therefore, it has been classified as a Variant of Uncertain Significance.